The following is an entry in ClinVar:

NM_001903.5(CTNNA1):c.1221T>C (p.Ala407=)

Gene: CTNNA1 (catenin alpha 1; plus strand). Cytogenetic location: 5q31.2.
Variant type: single nucleotide variant.
Coding change: c.1221T>C on transcript NM_001903.5 (MANE Select); coding-DNA position 1221, T replaced by C.
Protein change: p.Ala407=; no amino-acid change (alanine 407 retained).
Molecular consequence: synonymous variant. On other transcripts: 5 prime UTR variant (5), intron variant (2).
Genome position (GRCh38, 1-based): chr5:138,887,567, T>C. VCF-style: chr5-138887567-T-C. GRCh37 (hg19) VCF-style: chr5-138223256-T-C.
Other names: c.1221T>C, p.Ala407= (NM_001323982.2, NM_001323983.1, NM_001290307.3 and 3 more transcripts); c.912T>C, p.Ala304= (NM_001290309.3); c.852T>C, p.Ala284= (NM_001290310.3); c.111T>C, p.Ala37= (NM_001290312.1, NM_001323987.1, NM_001323988.1 and 18 more transcripts); c.-287T>C (NM_001324006.1, NM_001324007.1, NM_001324008.1 and 1 more transcripts); c.-162T>C (NM_001324013.1); c.-58+11970T>C (NM_001324012.1); c.-61+11970T>C (NM_001324010.1).
Identifiers: ClinVar variation 1161029 (VCV001161029.12), dbSNP rs1457198730, ClinGen allele CA446589930.

ClinVar aggregate classification (germline): Benign/Likely benign. Review status: criteria provided, multiple submitters, no conflicts (2 of 4 stars). 3 submissions from 3 submitters: Benign (1); Likely benign (2). Last evaluated 2024-10-11.

Conditions:
Hereditary diffuse gastric adenocarcinoma (HDGC). Also called: DIFFUSE GASTRIC AND LOBULAR BREAST CANCER SYNDROME. Identifiers: Orphanet 26106, MedGen C1708349, MONDO:0007648, OMIM 137215.
Hereditary cancer-predisposing syndrome. Also called: Neoplastic Syndromes, Hereditary; Hereditary Cancer Syndrome; Hereditary neoplastic syndrome; Tumor predisposition. Identifiers: Orphanet 140162, MedGen C0027672, MeSH D009386, MONDO:0015356.

Allele frequency attached by ClinVar (database versions not stated): gnomAD exomes below 0.00001.

Submissions (3):

Myriad Genetics, Inc.
Classification: Benign for Hereditary diffuse gastric adenocarcinoma. Last evaluated: 2024-10-11. Review status: criteria provided, single submitter. Criteria: Myriad Autosomal Dominant, Autosomal Recessive and X-Linked Classification Criteria (2023). Collection method: clinical testing. Allele origin: unknown.
Comment: This variant is considered benign. This variant is a silent/synonymous amino acid change and it is not expected to impact splicing.

Labcorp Genetics (formerly Invitae), Labcorp
Classification: Likely benign. Last evaluated: 2024-09-08. Review status: criteria provided, single submitter. Criteria: Invitae Variant Classification Sherloc (09022015). Collection method: clinical testing. Allele origin: germline.

Ambry Genetics
Classification: Likely benign for Hereditary cancer-predisposing syndrome. Last evaluated: 2019-08-03. Review status: criteria provided, single submitter. Criteria: Ambry Variant Classification Scheme 2023. Collection method: clinical testing. Allele origin: germline.